The following is an entry in ClinVar:

NM_000059.4(BRCA2):c.8535del (p.Glu2846fs)

Gene: BRCA2 (BRCA2 DNA repair associated; plus strand). Cytogenetic location: 13q13.1.
Variant type: Deletion.
Coding change: c.8535del on transcript NM_000059.4 (MANE Select); coding-DNA position 8535, one base deleted (A; older notation c.8535delA).
Protein change: p.Glu2846fs; shifts the reading frame from glutamic acid 2846.
Molecular consequence: frameshift variant.
Genome position (GRCh38, 1-based): chr13:32,371,003, A deleted. VCF-style (leftmost placement, unchanged base first): chr13-32371002-GA-G. GRCh37 (hg19) VCF-style: chr13-32945139-GA-G.
Other names: c.8439delA, p.Glu2814Argfs (NM_001406719.1); c.8535delA, p.Glu2846Argfs (NM_001406720.1); c.3603delA, p.Glu1202Argfs (NM_001406721.1); c.2118delA, p.Glu707Argfs (NM_001406722.1); short protein forms E2846fs.
Identifiers: ClinVar variation 2128782 (VCV002128782.4), dbSNP rs2548550710, ClinGen allele CA2575388009.

ClinVar aggregate classification (germline): Pathogenic (1 of 4 stars; one submission).

Conditions:
Hereditary breast ovarian cancer syndrome. Also called: Hereditary breast and ovarian cancer syndrome; BRCA1- and BRCA2-Associated Hereditary Breast and Ovarian Cancer; Hereditary breast and ovarian cancer syndrome (HBOC); Hereditary breast and/or ovarian cancer syndrome; Hereditary breast and ovarian cancer; Breast and ovarian cancer. Identifiers: Orphanet 145, MedGen C0677776, MeSH D061325, MONDO:0003582. Disease mechanism: loss of function.

Submission:

Labcorp Genetics (formerly Invitae), Labcorp
Classification: Pathogenic for Hereditary breast ovarian cancer syndrome. Last evaluated: 2022-04-21. Review status: criteria provided, single submitter. Criteria: Invitae Variant Classification Sherloc (09022015). Collection method: clinical testing. Allele origin: germline.
Comment: This sequence change creates a premature translational stop signal (p.Glu2846Argfs*17) in the BRCA2 gene. It is expected to result in an absent or disrupted protein product. Loss-of-function variants in BRCA2 are known to be pathogenic (PMID: 20104584). For these reasons, this variant has been classified as Pathogenic. This variant has not been reported in the literature in individuals affected with BRCA2-related conditions. This variant is not present in population databases (gnomAD no frequency).

Literature cited by the submitters: PubMed 20104584.